The following is an entry in ClinVar:

NM_001101426.4(CRPPA):c.914T>G (p.Val305Gly)

Gene: CRPPA (CDP-L-ribitol pyrophosphorylase A; minus strand). Cytogenetic location: 7p21.2.
Variant type: single nucleotide variant.
Coding change: c.914T>G on transcript NM_001101426.4 (MANE Select); coding-DNA position 914, T replaced by G.
Protein change: p.Val305Gly; replaces valine 305 with glycine.
Molecular consequence: missense variant. On other transcripts: non-coding transcript variant (1).
Genome position (GRCh38, 1-based): chr7:16,278,148, A>C on the plus strand (T>G on the coding strand, the complement: CRPPA is on the minus strand). VCF-style: chr7-16278148-A-C. GRCh37 (hg19) VCF-style: chr7-16317773-A-C.
Other names: c.764T>G, p.Val255Gly (NM_001101417.4); c.809T>G, p.Val270Gly (NM_001368197.1); short protein forms V305G, V270G, V255G.
Identifiers: ClinVar variation 288847 (VCV000288847.18), dbSNP rs370397489, ClinGen allele CA4169453.
Genomic context (GRCh38, chr7:16,278,148, plus strand): 5'-TGGCAATCAAAGTTTATCAAACTCAGTCTTTGAATACTTACATTTAATTCACTTTTCAGC[A>C]CTTCTTCAAGAAGATGACCTACATGTTTGTTATCTTCTTCTGTATCCATAACTACACAAA-3'
Protein context (NP_001094896.1, residues 295-315): NKHVGHLLEE[Val305Gly]LKSELNHVKV

ClinVar aggregate classification (germline): Conflicting classifications of pathogenicity. Review status: criteria provided, conflicting classifications (1 of 4 stars). 6 submissions from 6 submitters: Uncertain significance (5); Likely benign (1). Last evaluated 2025-01-24.

Conditions:
Muscular dystrophy-dystroglycanopathy (congenital with brain and eye anomalies), type A, 7. Also called: WALKER-WARBURG SYNDROME OR MUSCLE-EYE-BRAIN DISEASE, ISPD-RELATED; Congenital muscular dystrophy-dystroglycanopathy with brain and eye anomalies, type A7. Identifiers: Orphanet 899, MedGen C3553330, MONDO:0013835, OMIM 614643.
Autosomal recessive limb-girdle muscular dystrophy type 2U. Also called: Muscular dystrophy-dystroglycanopathy (limb-girdle), type c, 7; MUSCULAR DYSTROPHY, LIMB-GIRDLE, TYPE 2U. Identifiers: Orphanet 352479, MedGen C5190987, MONDO:0014474, OMIM 616052.

Allele frequency attached by ClinVar (database versions not stated): gnomAD exomes 0.00001 and 0.00007; gnomAD 0.00008; TOPMed 0.00008; ExAC 0.00014; 1000 Genomes Project 0.00020; 1000 Genomes Project 30x 0.00031.
gnomAD v4.1: 38 of 1,557,594 alleles (0.0024%); highest among the groups gnomAD compares: East Asian, 0.031%; no homozygotes.

Submissions (6):

Ambry Genetics
Classification: Uncertain significance. Last evaluated: 2025-01-24. Review status: criteria provided, single submitter. Criteria: Ambry Variant Classification Scheme 2023. Collection method: clinical testing. Allele origin: germline.

Blueprint Genetics
Classification: Likely benign. Last evaluated: 2023-12-04. Review status: criteria provided, single submitter. Criteria: ACMG Guidelines, 2015. Collection method: clinical testing. Allele origin: germline.

Labcorp Genetics (formerly Invitae), Labcorp
Classification: Uncertain significance for Muscular dystrophy-dystroglycanopathy (congenital with brain and eye anomalies), type A, 7; Autosomal recessive limb-girdle muscular dystrophy type 2U. Last evaluated: 2022-10-13. Review status: criteria provided, single submitter. Criteria: Invitae Variant Classification Sherloc (09022015). Collection method: clinical testing. Allele origin: germline.
Comment: This sequence change replaces valine, which is neutral and non-polar, with glycine, which is neutral and non-polar, at codon 305 of the ISPD protein (p.Val305Gly). This variant is present in population databases (rs370397489, gnomAD 0.09%). This variant has not been reported in the literature in individuals affected with ISPD-related conditions. ClinVar contains an entry for this variant (Variation ID: 288847). Advanced modeling of protein sequence and biophysical properties (such as structural, functional, and spatial information, amino acid conservation, physicochemical variation, residue mobility, and thermodynamic stability) performed at Invitae indicates that this missense variant is not expected to disrupt ISPD protein function. In summary, the available evidence is currently insufficient to determine the role of this variant in disease. Therefore, it has been classified as a Variant of Uncertain Significance.

GeneDx
Classification: Uncertain significance. Last evaluated: 2019-11-18. Review status: criteria provided, single submitter. Criteria: GeneDx Variant Classification Process June 2021. Collection method: clinical testing. Allele origin: germline. Affected: yes.
Comment: In silico analysis, which includes protein predictors and evolutionary conservation, supports that this variant does not alter protein structure/function; Has not been previously published as pathogenic or benign to our knowledge

Baylor Genetics
Classification: Uncertain significance for Muscular dystrophy-dystroglycanopathy (congenital with brain and eye anomalies), type A, 7. Last evaluated: 2019-04-03. Review status: criteria provided, single submitter. Criteria: ACMG Guidelines, 2015. Collection method: clinical testing. Allele origin: paternal. Affected: yes.
Comment: This variant was determined to be of uncertain significance according to ACMG Guidelines, 2015 [PMID:25741868].

Eurofins Ntd Llc (ga)
Classification: Uncertain significance. Last evaluated: 2016-06-20. Review status: criteria provided, single submitter. Criteria: EGL Classification Definitions 2015. Collection method: clinical testing. Allele origin: germline. Observed: 1 variant allele, 1 heterozygote.